The following is an entry in ClinVar:

NM_002292.4(LAMB2):c.5230G>C (p.Ala1744Pro)

Gene: LAMB2 (laminin subunit beta 2; minus strand). Cytogenetic location: 3p21.31.
Variant type: single nucleotide variant.
Coding change: c.5230G>C on transcript NM_002292.4 (MANE Select); coding-DNA position 5230, G replaced by C.
Protein change: p.Ala1744Pro; replaces alanine 1744 with proline.
Molecular consequence: missense variant.
Genome position (GRCh38, 1-based): chr3:49,121,463, C>G on the plus strand (G>C on the coding strand, the complement: LAMB2 is on the minus strand). VCF-style: chr3-49121463-C-G. GRCh37 (hg19) VCF-style: chr3-49158896-C-G.
Other names: short protein forms A1744P.
Identifiers: ClinVar variation 1413385 (VCV001413385.6), dbSNP rs1416518681, ClinGen allele CA352679883.
Genomic context (GRCh38, chr3:49,121,463, plus strand): 5'-GTCTTGTGTCTCTGGTGCCCCATTTCTTACCCTGTAGCCGCTGCAGCTTGTCCTGAGCGG[C>G]TTGCAACAGGTCCCGAGCCTCATCCCGCAGTTGTTCTGCCCTTGCCTGTGCAGCCAGCAC-3'
Protein context (NP_002283.3, residues 1734-1754): LRDEARDLLQ[Ala1744Pro]AQDKLQRLQE

ClinVar aggregate classification (germline): Uncertain significance (1 of 4 stars; one submission).

Conditions:
LAMB2-related infantile-onset nephrotic syndrome. Also called: NEPHROTIC SYNDROME, TYPE 5, WITHOUT OCULAR ABNORMALITIES; NEPHROTIC SYNDROME, TYPE 5, WITH OCULAR ABNORMALITIES; Nephrotic Syndrome, type 5. Identifiers: Orphanet 306507, MedGen C3280113, MONDO:0013621, OMIM 614199.
Pierson syndrome. Also called: MICROCORIA-CONGENITAL NEPHROTIC SYNDROME. Identifiers: Orphanet 2670, MedGen C1836876, MONDO:0012184, OMIM 609049.

Allele frequency attached by ClinVar (database versions not stated): gnomAD exomes below 0.00001.

Submission:

Labcorp Genetics (formerly Invitae), Labcorp
Classification: Uncertain significance for LAMB2-related infantile-onset nephrotic syndrome; Pierson syndrome. Last evaluated: 2021-08-03. Review status: criteria provided, single submitter. Criteria: Invitae Variant Classification Sherloc (09022015). Collection method: clinical testing. Allele origin: germline.
Comment: This variant has not been reported in the literature in individuals affected with LAMB2-related conditions. In summary, the available evidence is currently insufficient to determine the role of this variant in disease. Therefore, it has been classified as a Variant of Uncertain Significance. Algorithms developed to predict the effect of missense changes on protein structure and function (SIFT, PolyPhen-2, Align-GVGD) all suggest that this variant is likely to be tolerated. This variant is not present in population databases (ExAC no frequency). This sequence change replaces alanine with proline at codon 1744 of the LAMB2 protein (p.Ala1744Pro). The alanine residue is moderately conserved and there is a small physicochemical difference between alanine and proline.